The following is an entry in ClinVar:

NM_005045.4(RELN):c.5926G>A (p.Gly1976Ser)

Gene: RELN (reelin; minus strand). Cytogenetic location: 7q22.1.
Variant type: single nucleotide variant.
Coding change: c.5926G>A on transcript NM_005045.4 (MANE Select); coding-DNA position 5926, G replaced by A.
Protein change: p.Gly1976Ser; replaces glycine 1976 with serine.
Molecular consequence: missense variant.
Genome position (GRCh38, 1-based): chr7:103,553,703, C>T on the plus strand (G>A on the coding strand, the complement: RELN is on the minus strand). VCF-style: chr7-103553703-C-T. GRCh37 (hg19) VCF-style: chr7-103194150-C-T.
Other names: c.5926G>A, p.Gly1976Ser (NM_173054.3); short protein forms G1976S.
Identifiers: ClinVar variation 2934675 (VCV002934675.3), dbSNP rs946078271, ClinGen allele CA163904116.

ClinVar aggregate classification (germline): Uncertain significance (1 of 4 stars; one submission).

Conditions:
Familial temporal lobe epilepsy 7. Identifiers: Orphanet 101046, MedGen C4225327, MONDO:0014639, OMIM 616436.
Norman-Roberts syndrome (LIS2). Also called: Lissencephaly 2 (Norman-Roberts type). Identifiers: Orphanet 89844, MedGen C0796089, MONDO:0009760, OMIM 257320.

Allele frequency attached by ClinVar (database versions not stated): gnomAD exomes below 0.00001; gnomAD 0.00001; TOPMed 0.00001.
gnomAD v4.1: 3 of 1,613,940 alleles (0.00019%); highest among the groups gnomAD compares: African/African-American, 0.004%; no homozygotes.

Submission:

Labcorp Genetics (formerly Invitae), Labcorp
Classification: Uncertain significance for Familial temporal lobe epilepsy 7; Norman-Roberts syndrome. Last evaluated: 2022-11-08. Review status: criteria provided, single submitter. Criteria: Invitae Variant Classification Sherloc (09022015). Collection method: clinical testing. Allele origin: germline.
Comment: This sequence change replaces glycine, which is neutral and non-polar, with serine, which is neutral and polar, at codon 1976 of the RELN protein (p.Gly1976Ser). This variant is not present in population databases (gnomAD no frequency). This variant has not been reported in the literature in individuals affected with RELN-related conditions. Advanced modeling of protein sequence and biophysical properties (such as structural, functional, and spatial information, amino acid conservation, physicochemical variation, residue mobility, and thermodynamic stability) performed at Invitae indicates that this missense variant is not expected to disrupt RELN protein function. In summary, the available evidence is currently insufficient to determine the role of this variant in disease. Therefore, it has been classified as a Variant of Uncertain Significance.